The following is an entry in ClinVar:

ClinVar aggregate classification (germline): Pathogenic (1 of 4 stars; one submission).

Conditions:
Bifunctional peroxisomal enzyme deficiency (DBIF). Also called: PBFE DEFICIENCY; D-bifunctional protein deficiency; DBP DEFICIENCY. Identifiers: Orphanet 300, MedGen C0342870, MONDO:0009855, OMIM 261515. Disease mechanism: loss of function.
Perrault syndrome. Also called: Gonadal dysgenesis with auditory dysfunction, autosomal recessive inheritance. Identifiers: Orphanet 2855, MedGen C0685838, MONDO:0017312.

Submission:

Labcorp Genetics (formerly Invitae), Labcorp
Classification: Pathogenic for Perrault syndrome; Bifunctional peroxisomal enzyme deficiency. Last evaluated: 2024-01-02. Review status: criteria provided, single submitter. Criteria: Invitae Variant Classification Sherloc (09022015). Collection method: clinical testing. Allele origin: unknown.
Comment: This variant is a gross deletion of the genomic region encompassing exon(s) 15-16 of the HSD17B4 gene. This deletion is out-of-frame, and is expected to create a premature termination codon and result in an absent or disrupted protein product. Loss-of-function variants in HSD17B4 are known to be pathogenic (PMID: 11810648, 16385454, 20673864). This variant has not been reported in the literature in individuals affected with HSD17B4-related conditions. Experimental studies and prediction algorithms are not available or were not evaluated, and the functional significance of this variant is currently unknown. For these reasons, this variant has been classified as Pathogenic.

Literature cited by the submitters: PubMed 11810648; PubMed 16385454; PubMed 20673864.

NC_000005.9:g.(?_118842493)_(118844959_?)del

Gene: HSD17B4 (hydroxysteroid 17-beta dehydrogenase 4; plus strand). Cytogenetic location: 5q23.1.
Variant type: Deletion.
Identifiers: ClinVar variation 3246320 (VCV003246320.1).